The following is an entry in ClinVar:

ClinVar aggregate classification (germline): Likely benign. Review status: criteria provided, multiple submitters, no conflicts (2 of 4 stars). 3 submissions from 3 submitters: Likely benign (3). Last evaluated 2023-06-09.

Conditions:
Malignant hyperthermia, susceptibility to, 1 (MHS1). Also called: Malignant hyperthermia suceptibility 1; Anesthesia related hyperthermia; Malignant hyperpyrexia; Fulminating hyperpyrexia; Pharmacogenic myopathy; RYR1-Related Malignant Hyperthermia Susceptibility. Identifiers: Orphanet 423, MedGen C2930980, MONDO:0007783, OMIM 145600.
RYR1-related disorder. Also called: RYR1-related disorders; RYR1-related condition. Identifiers: MedGen CN239331.

Submissions (3):

Labcorp Genetics (formerly Invitae), Labcorp
Classification: Likely benign for RYR1-related disorder. Last evaluated: 2023-06-09. Review status: criteria provided, single submitter. Criteria: Invitae Variant Classification Sherloc (09022015). Collection method: clinical testing. Allele origin: germline.

All of Us Research Program, National Institutes of Health
Classification: Likely benign for Malignant hyperthermia, susceptibility to, 1. Last evaluated: 2023-02-24. Review status: criteria provided, single submitter. Criteria: ACMG Guidelines, 2015. Collection method: clinical testing. Allele origin: germline. Inheritance: Autosomal dominant inheritance. Observed: 1 variant allele, 1 heterozygote.
Comment: This study involves interpretation of variants in research participants for the purpose of population health screening. Participant phenotype was not available at the time of variant classification. Additional details can be found in publication PMID: 35346344, PMCID: PMC8962531

Color Diagnostics, LLC DBA Color Health
Classification: Likely benign for Malignant hyperthermia, susceptibility to, 1. Last evaluated: 2022-11-06. Review status: criteria provided, single submitter. Criteria: ACMG Guidelines, 2015. Collection method: clinical testing. Allele origin: germline.

NM_000540.3(RYR1):c.11649G>C (p.Leu3883=)

Gene: RYR1 (ryanodine receptor 1; plus strand). Cytogenetic location: 19q13.2.
Variant type: single nucleotide variant.
Coding change: c.11649G>C on transcript NM_000540.3 (MANE Select); coding-DNA position 11649, G replaced by C.
Protein change: p.Leu3883=; no amino-acid change (leucine 3883 retained).
Molecular consequence: synonymous variant.
Genome position (GRCh38, 1-based): chr19:38,537,920, G>C. VCF-style: chr19-38537920-G-C. GRCh37 (hg19) VCF-style: chr19-39028560-G-C.
Other names: c.11634G>C, p.Leu3878= (NM_001042723.2).
Identifiers: ClinVar variation 1982986 (VCV001982986.5), dbSNP rs1186511876, ClinGen allele CA507242223.